The following is an entry in ClinVar:

ClinVar aggregate classification (germline): Conflicting classifications of pathogenicity. Review status: criteria provided, conflicting classifications (1 of 4 stars). 4 submissions from 4 submitters: Uncertain significance (2); Likely benign (1). 1 of the submissions does not count toward it. Last evaluated 2026-01-23.

Conditions:
Alstrom syndrome (ALMS). Identifiers: Orphanet 64, MedGen C0268425, MONDO:0008763, OMIM 203800.
Cardiovascular phenotype. Identifiers: MedGen CN230736.

Allele frequency attached by ClinVar (database versions not stated): gnomAD exomes 0.00001; ExAC 0.00002; gnomAD 0.00003; TOPMed 0.00003; ESP Exome Variant Server 0.00017.
gnomAD v4.1: 25 of 1,613,926 alleles (0.0015%); highest among the groups gnomAD compares: Non-Finnish European, 0.0021%; no homozygotes.

Submissions (4):

GeneDx
Classification: Uncertain significance. Last evaluated: 2026-01-23. Review status: criteria provided, single submitter. Criteria: GeneDx Variant Classification Process June 2021. Collection method: clinical testing. Allele origin: germline. Affected: yes.
Comment: Not observed at significant frequency in large population cohorts (gnomAD); In silico analysis suggests that this missense variant does not alter protein structure/function; Has not been previously published as pathogenic or benign to our knowledge

Ambry Genetics
Classification: Likely benign for Cardiovascular phenotype. Last evaluated: 2025-10-01. Review status: criteria provided, single submitter. Criteria: Ambry Variant Classification Scheme 2023. Collection method: clinical testing. Allele origin: germline.

Labcorp Genetics (formerly Invitae), Labcorp
Classification: Uncertain significance for Alstrom syndrome. Last evaluated: 2024-12-23. Review status: criteria provided, single submitter. Criteria: Invitae Variant Classification Sherloc (09022015). Collection method: clinical testing. Allele origin: germline.
Comment: This sequence change replaces leucine, which is neutral and non-polar, with phenylalanine, which is neutral and non-polar, at codon 3190 of the ALMS1 protein (p.Leu3190Phe). This variant is present in population databases (rs376367125, gnomAD 0.004%). This variant has not been reported in the literature in individuals affected with ALMS1-related conditions. ClinVar contains an entry for this variant (Variation ID: 1214099). Experimental studies and prediction algorithms are not available or were not evaluated, and the functional significance of this variant is currently unknown. In summary, the available evidence is currently insufficient to determine the role of this variant in disease. Therefore, it has been classified as a Variant of Uncertain Significance.

Natera, Inc.
Classification: Uncertain significance for Alstrom syndrome. Last evaluated: 2021-06-14. Review status: no assertion criteria provided. Collection method: clinical testing. Allele origin: germline. Not counted in ClinVar's aggregate classification.

NM_001378454.1(ALMS1):c.9565C>T (p.Leu3189Phe)

Gene: ALMS1 (ALMS1 centrosome and basal body associated protein; plus strand). Cytogenetic location: 2p13.1.
Variant type: single nucleotide variant.
Coding change: c.9565C>T on transcript NM_001378454.1 (MANE Select); coding-DNA position 9565, C replaced by T.
Protein change: p.Leu3189Phe; replaces leucine 3189 with phenylalanine.
Molecular consequence: missense variant.
Genome position (GRCh38, 1-based): chr2:73,519,800, C>T. VCF-style: chr2-73519800-C-T. GRCh37 (hg19) VCF-style: chr2-73746927-C-T.
Other names: c.9568C>T, p.Leu3190Phe (NM_015120.4); short protein forms L3189F, L3190F.
Identifiers: ClinVar variation 1214099 (VCV001214099.13), dbSNP rs376367125, ClinGen allele CA1714700.